The following is an entry in ClinVar:

NM_004287.5(GOSR2):c.240G>A (p.Leu80=)

Genes: LRRC37A2 (leucine rich repeat containing 37 member A2), GOSR2 (golgi SNAP receptor complex member 2; plus strand), LOC126862578 (BRD4-independent group 4 enhancer GRCh37_chr17:45008344-45009543; plus strand). Cytogenetic location: 17q21.32.
Variant type: single nucleotide variant.
Coding change: c.240G>A on transcript NM_004287.5 (MANE Select); coding-DNA position 240, G replaced by A.
Protein change: p.Leu80=; no amino-acid change (leucine 80 retained).
Molecular consequence: synonymous variant. On other transcripts: non-coding transcript variant (3).
Genome position (GRCh38, 1-based): chr17:46,932,103, G>A. VCF-style: chr17-46932103-G-A. GRCh37 (hg19) VCF-style: chr17-45009469-G-A.
Other names: c.240G>A, p.Leu80= (NM_001012511.3, NM_001321133.2, NM_001330252.2 and 1 more transcripts); c.186G>A, p.Leu62= (NM_001321134.2, NM_001363851.2); c.237G>A, p.Leu79= (NM_001353114.2, NM_001353115.2, NM_001353116.2).
Identifiers: ClinVar variation 4682372 (VCV004682372.1).

ClinVar aggregate classification (germline): Uncertain significance (1 of 4 stars; one submission).

Submission:

Athena Diagnostics
Classification: Uncertain significance. Last evaluated: 2025-05-06. Review status: criteria provided, single submitter. Criteria: Athena Diagnostics Criteria. Collection method: clinical testing. Allele origin: unknown.
Comment: Available data are insufficient to determine the clinical significance of the variant at this time. This variant has not been reported in large, multi-ethnic general populations. Computational tools yielded predictions that this variant is unlikely to have an effect on normal RNA splicing.